The following is an entry in ClinVar:

ClinVar aggregate classification (germline): Uncertain significance (1 of 4 stars; one submission).

gnomAD v4.1: 3 of 1,333,412 alleles (0.00022%); highest among the groups gnomAD compares: Non-Finnish European, 0.00032%; no homozygotes.

Submission:

Labcorp Genetics (formerly Invitae), Labcorp
Classification: Uncertain significance. Last evaluated: 2025-11-25. Review status: criteria provided, single submitter. Criteria: Invitae Variant Classification Sherloc (09022015). Collection method: clinical testing. Allele origin: germline.
Comment: This sequence change replaces glutamic acid, which is acidic and polar, with lysine, which is basic and polar, at codon 795 of the IMPG1 protein (p.Glu795Lys). This variant is not present in population databases (gnomAD no frequency). This variant has not been reported in the literature in individuals affected with IMPG1-related conditions. ClinVar contains an entry for this variant (Variation ID: 1483378). An algorithm developed to predict the effect of missense changes on protein structure and function outputs the following: PolyPhen-2: "Possibly Damaging". The lysine amino acid residue is found in multiple mammalian species, which suggests that this missense change does not adversely affect protein function. In summary, the available evidence is currently insufficient to determine the role of this variant in disease. Therefore, it has been classified as a Variant of Uncertain Significance.

NM_001563.4(IMPG1):c.2383G>A (p.Glu795Lys)

Gene: IMPG1 (interphotoreceptor matrix proteoglycan 1; minus strand). Cytogenetic location: 6q14.1.
Variant type: single nucleotide variant.
Coding change: c.2383G>A on transcript NM_001563.4 (MANE Select); coding-DNA position 2383, G replaced by A.
Protein change: p.Glu795Lys; replaces glutamic acid 795 with lysine.
Molecular consequence: missense variant.
Genome position (GRCh38, 1-based): chr6:75,922,100, C>T on the plus strand (G>A on the coding strand, the complement: IMPG1 is on the minus strand). VCF-style: chr6-75922100-C-T. GRCh37 (hg19) VCF-style: chr6-76631817-C-T.
Other names: c.2149G>A, p.Glu717Lys (NM_001282368.2); short protein forms E717K, E795K.
Identifiers: ClinVar variation 1483378 (VCV001483378.8), dbSNP rs2149446455, ClinGen allele CA364765614.
Genomic context (GRCh38, chr6:75,922,100, plus strand): 5'-AATCATCTCTCTTGAGATAGCCTAAATGATAATTGTACATTTTCAGTTTTTAATTTCCTT[C>T]CCAATCTTGATGGTTAAATTCTTCATATTCTACGGTCAGTAATTCAGAATTTCTTTTACT-3'
Protein context (NP_001554.2, residues 785-797): EYEEFNHQDW[Glu795Lys]GN